The following is an entry in ClinVar:

ClinVar aggregate classification (germline): Uncertain significance (1 of 4 stars; one submission).

Submission:

GeneDx
Classification: Uncertain significance. Last evaluated: 2025-07-21. Review status: criteria provided, single submitter. Criteria: GeneDx Variant Classification Process June 2021. Collection method: clinical testing. Allele origin: germline.
Comment: Not observed at significant frequency in large population cohorts (gnomAD); In silico analysis supports that this missense variant has a deleterious effect on protein structure/function; Has not been previously published as pathogenic or benign to our knowledge

NM_001395002.1(MAP4K4):c.3086A>C (p.Asp1029Ala)

Gene: MAP4K4 (mitogen-activated protein kinase kinase kinase kinase 4; plus strand). Cytogenetic location: 2q11.2.
Variant type: single nucleotide variant.
Coding change: c.3086A>C on transcript NM_001395002.1 (MANE Select); coding-DNA position 3086, A replaced by C.
Protein change: p.Asp1029Ala; replaces aspartic acid 1029 with alanine.
Molecular consequence: missense variant. On other transcripts: non-coding transcript variant (4).
Genome position (GRCh38, 1-based): chr2:101,874,097, A>C. VCF-style: chr2-101874097-A-C. GRCh37 (hg19) VCF-style: chr2-102490559-A-C.
Other names: c.2612A>C, p.Asp871Ala (NM_001384558.1); c.2570A>C, p.Asp857Ala (NM_001384559.1, NM_145687.4); c.2465A>C, p.Asp822Ala (NM_001384560.1); c.2381A>C, p.Asp794Ala (NM_001384561.1); c.2699A>C, p.Asp900Ala (NM_001384562.1); c.2888A>C, p.Asp963Ala (NM_001384563.1); c.2957A>C, p.Asp986Ala (NM_001384564.1); c.2804A>C, p.Asp935Ala (NM_001384567.1); and 39 more; short protein forms D1026A, D1029A, D794A, D800A, D802A, D803A, D822A, D833A.
Identifiers: ClinVar variation 3902970 (VCV003902970.2).